The following is an entry in ClinVar:

NM_001199107.2(TBC1D24):c.177C>G (p.Ile59Met)

Gene: TBC1D24 (TBC1 domain family member 24; plus strand). Cytogenetic location: 16p13.3.
Variant type: single nucleotide variant.
Coding change: c.177C>G on transcript NM_001199107.2 (MANE Select); coding-DNA position 177, C replaced by G.
Protein change: p.Ile59Met; replaces isoleucine 59 with methionine.
Molecular consequence: missense variant.
Genome position (GRCh38, 1-based): chr16:2,496,325, C>G. VCF-style: chr16-2496325-C-G. GRCh37 (hg19) VCF-style: chr16-2546326-C-G.
Other names: c.177C>G, p.Ile59Met (NM_020705.3); short protein forms I59M.
Identifiers: ClinVar variation 2413108 (VCV002413108.3), dbSNP rs369613814, ClinGen allele CA394374845.
Genomic context (GRCh38, chr16:2,496,325, plus strand): 5'-GCGCCAGGGCTACTGGGCCCAAAGCCACGCCCTGCGGGGAAAGGTGTACCAGCGCCTGAT[C>G]CGGGACATTCCCTGCCGCACGGTCACGCCTGACGCCAGCGTGTACAGCGACATCGTGGGC-3'
Protein context (NP_001186036.1, residues 49-69): ALRGKVYQRL[Ile59Met]RDIPCRTVTP

ClinVar aggregate classification (germline): Uncertain significance (1 of 4 stars; one submission).

Submission:

GeneDx
Classification: Uncertain significance. Last evaluated: 2022-07-26. Review status: criteria provided, single submitter. Criteria: GeneDx Variant Classification Process June 2021. Collection method: clinical testing. Allele origin: germline. Affected: yes.
Comment: Not observed at significant frequency in large population cohorts (gnomAD); In silico analysis supports that this missense variant does not alter protein structure/function; Has not been previously published as pathogenic or benign to our knowledge